The following is an entry in ClinVar:

NM_000782.5(CYP24A1):c.1235G>A (p.Gly412Glu)

Gene: CYP24A1 (cytochrome P450 family 24 subfamily A member 1; minus strand). Cytogenetic location: 20q13.2.
Variant type: single nucleotide variant.
Coding change: c.1235G>A on transcript NM_000782.5 (MANE Select); coding-DNA position 1235, G replaced by A.
Protein change: p.Gly412Glu; replaces glycine 412 with glutamic acid.
Molecular consequence: missense variant.
Genome position (GRCh38, 1-based): chr20:54,158,087, C>T on the plus strand (G>A on the coding strand, the complement: CYP24A1 is on the minus strand). VCF-style: chr20-54158087-C-T. GRCh37 (hg19) VCF-style: chr20-52774626-C-T.
Other names: c.1235G>A, p.Gly412Glu (NM_001128915.2); short protein forms G412E.
Identifiers: ClinVar variation 2077753 (VCV002077753.7), dbSNP rs376936695, ClinGen allele CA9915854.

ClinVar aggregate classification (germline): Uncertain significance. Review status: criteria provided, multiple submitters, no conflicts (2 of 4 stars). 5 submissions from 5 submitters: Uncertain significance (5). Last evaluated 2025-05-05.

Conditions:
Inborn genetic diseases. Identifiers: MedGen C0950123, MeSH D030342.
Hypercalcemia, infantile, 1 (HCINF1). Identifiers: Orphanet 300547, MedGen CN031131, MONDO:0020739, OMIM 143880.

Allele frequency attached by ClinVar (database versions not stated): ESP Exome Variant Server 0.00008; ExAC 0.00009; gnomAD 0.00015; 1000 Genomes Project 30x 0.00031.
gnomAD v4.1: 197 of 1,613,554 alleles (0.012%); highest among the groups gnomAD compares: Non-Finnish European, 0.015%; no homozygotes.

Submissions (5):

Labcorp Genetics (formerly Invitae), Labcorp
Classification: Uncertain significance. Last evaluated: 2025-05-05. Review status: criteria provided, single submitter. Criteria: Invitae Variant Classification Sherloc (09022015). Collection method: clinical testing. Allele origin: germline.
Comment: This sequence change replaces glycine, which is neutral and non-polar, with glutamic acid, which is acidic and polar, at codon 412 of the CYP24A1 protein (p.Gly412Glu). This variant is present in population databases (rs376936695, gnomAD 0.02%). This variant has not been reported in the literature in individuals affected with CYP24A1-related conditions. ClinVar contains an entry for this variant (Variation ID: 2077753). Invitae Evidence Modeling of protein sequence and biophysical properties (such as structural, functional, and spatial information, amino acid conservation, physicochemical variation, residue mobility, and thermodynamic stability) indicates that this missense variant is not expected to disrupt CYP24A1 protein function with a negative predictive value of 95%. In summary, the available evidence is currently insufficient to determine the role of this variant in disease. Therefore, it has been classified as a Variant of Uncertain Significance.

Ambry Genetics
Classification: Uncertain significance for Inborn genetic diseases. Last evaluated: 2025-04-04. Review status: criteria provided, single submitter. Criteria: Ambry Variant Classification Scheme 2023. Collection method: clinical testing. Allele origin: germline.

Blueprint Genetics
Classification: Uncertain significance. Last evaluated: 2024-11-11. Review status: criteria provided, single submitter. Criteria: ACMG Guidelines, 2015. Collection method: clinical testing. Allele origin: germline.

Fulgent Genetics
Classification: Uncertain significance for Hypercalcemia, infantile, 1. Last evaluated: 2024-05-30. Review status: criteria provided, single submitter. Criteria: ACMG Guidelines, 2015. Collection method: clinical testing. Allele origin: germline.

Breakthrough Genomics
Classification: Uncertain significance. Review status: criteria provided, single submitter. Criteria: ACMG Guidelines, 2015. Collection method: not provided. Allele origin: germline. Inheritance: Autosomal dominant inheritance. Affected: yes.